The following is an entry in ClinVar:

NM_006904.7(PRKDC):c.10864G>C (p.Ala3622Pro)

Gene: PRKDC (protein kinase, DNA-activated, catalytic subunit; minus strand). Cytogenetic location: 8q11.21.
Variant type: single nucleotide variant.
Coding change: c.10864G>C on transcript NM_006904.7 (MANE Select); coding-DNA position 10864, G replaced by C.
Protein change: p.Ala3622Pro; replaces alanine 3622 with proline.
Molecular consequence: missense variant.
Genome position (GRCh38, 1-based): chr8:47,788,944, C>G on the plus strand (G>C on the coding strand, the complement: PRKDC is on the minus strand). VCF-style: chr8-47788944-C-G. GRCh37 (hg19) VCF-style: chr8-48701505-C-G.
Other names: c.10864G>C, p.Ala3622Pro (NM_001081640.2); short protein forms A3622P.
Identifiers: ClinVar variation 1045857 (VCV001045857.3), dbSNP rs545479220, ClinGen allele CA176143556.
Genomic context (GRCh38, chr8:47,788,944, plus strand): 5'-AGCAGGCTGTGCCAGTCCATACCTGAATAAACTTCCTTCTAAAGGCCCCCAGGCCTGGAG[C>G]CTTTGGGTCACCCAAGGCTGCATACATTCTTTCATACATTTTTTCAATGTTTTTTTTATT-3'
Protein context (NP_008835.5, residues 3612-3632): RMYAALGDPK[Ala3622Pro]PGLGAFRRKF

ClinVar aggregate classification (germline): Uncertain significance (1 of 4 stars; one submission).

Conditions:
Severe combined immunodeficiency due to DNA-PKcs deficiency. Also called: Immunodeficiency 26 with or without neurologic abnormalities; IMMUNODEFICIENCY 26 WITH NEUROLOGIC ABNORMALITIES. Identifiers: Orphanet 317425, MedGen C4014833, MONDO:0014423, OMIM 615966.

Allele frequency attached by ClinVar (database versions not stated): TOPMed below 0.00001; gnomAD 0.00001; 1000 Genomes Project 30x 0.00016; 1000 Genomes Project 0.00020.
gnomAD v4.1: 3 of 1,611,760 alleles (0.00019%); highest among the groups gnomAD compares: East Asian, 0.0045%; no homozygotes.

Submission:

Labcorp Genetics (formerly Invitae), Labcorp
Classification: Uncertain significance for Severe combined immunodeficiency due to DNA-PKcs deficiency. Last evaluated: 2020-06-29. Review status: criteria provided, single submitter. Criteria: Invitae Variant Classification Sherloc (09022015). Collection method: clinical testing. Allele origin: germline.
Comment: In summary, the available evidence is currently insufficient to determine the role of this variant in disease. Therefore, it has been classified as a Variant of Uncertain Significance. Experimental studies and prediction algorithms are not available or were not evaluated, and the functional significance of this variant is currently unknown. This variant has not been reported in the literature in individuals with PRKDC-related conditions. This variant is not present in population databases (ExAC no frequency). This sequence change replaces alanine with proline at codon 3622 of the PRKDC protein (p.Ala3622Pro). The alanine residue is weakly conserved and there is a small physicochemical difference between alanine and proline.